The following is an entry in ClinVar:

NM_000044.6(AR):c.2323C>G (p.Arg775Gly)

Gene: AR (androgen receptor; plus strand). Cytogenetic location: Xq12.
Variant type: single nucleotide variant.
Coding change: c.2323C>G on transcript NM_000044.6 (MANE Select); coding-DNA position 2323, C replaced by G.
Protein change: p.Arg775Gly; replaces arginine 775 with glycine.
Molecular consequence: missense variant.
Genome position (GRCh38, 1-based): chrX:67,721,837, C>G. VCF-style: chrX-67721837-C-G. GRCh37 (hg19) VCF-style: chrX-66941679-C-G.
Other names: c.727C>G, p.Arg243Gly (NM_001011645.3); short protein forms R243G, R775G.
Identifiers: ClinVar variation 3754292 (VCV003754292.2).

ClinVar aggregate classification (germline): Uncertain significance (1 of 4 stars; one submission).

Conditions:
Kennedy disease (SMAX1). Also called: SPINAL AND BULBAR MUSCULAR ATROPHY, X-LINKED 1; KENNEDY SPINAL AND BULBAR MUSCULAR ATROPHY; Spinal and Bulbar Muscular Atrophy. Identifiers: Orphanet 481, MedGen C1839259, MONDO:0010735, OMIM 313200.
Androgen resistance syndrome (AIS). Also called: ANDROGEN RECEPTOR DEFICIENCY; DIHYDROTESTOSTERONE RECEPTOR DEFICIENCY; TESTICULAR FEMINIZATION SYNDROME; Androgen insensitivity syndrome; Androgen insensitivity; DHTR DEFICIENCY. Identifiers: Orphanet 754, Orphanet 99429, MedGen C0039585, MONDO:0019154, OMIM 300068. Disease mechanism: loss of function.

Submission:

Labcorp Genetics (formerly Invitae), Labcorp
Classification: Uncertain significance for Kennedy disease; Androgen resistance syndrome. Last evaluated: 2024-02-23. Review status: criteria provided, single submitter. Criteria: Invitae Variant Classification Sherloc (09022015). Collection method: clinical testing. Allele origin: germline.
Comment: This sequence change replaces arginine, which is basic and polar, with glycine, which is neutral and non-polar, at codon 775 of the AR protein (p.Arg775Gly). This variant is not present in population databases (gnomAD no frequency). This variant has not been reported in the literature in individuals affected with AR-related conditions. Advanced modeling of protein sequence and biophysical properties (such as structural, functional, and spatial information, amino acid conservation, physicochemical variation, residue mobility, and thermodynamic stability) has been performed at Invitae for this missense variant, however the output from this modeling did not meet the statistical confidence thresholds required to predict the impact of this variant on AR protein function. This variant disrupts the p.Arg775 amino acid residue in AR. Other variant(s) that disrupt this residue have been determined to be pathogenic (PMID: 1609793, 2082179, 8990010, 9627582, 12705360, 20150575, 28624954). This suggests that this residue is clinically significant, and that variants that disrupt this residue are likely to be disease-causing. In summary, the available evidence is currently insufficient to determine the role of this variant in disease. Therefore, it has been classified as a Variant of Uncertain Significance.

Literature cited by the submitters: PubMed 1609793; PubMed 2082179; PubMed 8990010; PubMed 9627582; PubMed 12705360; PubMed 20150575; PubMed 28624954.